The following is an entry in ClinVar:

ClinVar aggregate classification (germline): Conflicting classifications of pathogenicity. Review status: criteria provided, conflicting classifications (1 of 4 stars). 8 submissions from 8 submitters: Uncertain significance (1); Benign (2); Likely benign (5). Last evaluated 2025-12-20.

Conditions:
Microscopic hematuria. Also called: Microhematuria. Identifiers: MedGen C0239937, HP:0002907.
Kidney disorder. Also called: Nephropathy; Kidney disease; renal disorder; renal disease; Kidney Diseases. Identifiers: MedGen C0022658, MONDO:0005240, HP:0000112.

Allele frequency attached by ClinVar (database versions not stated): 1000 Genomes Project 30x 0.00141; 1000 Genomes Project 0.00160; ESP Exome Variant Server 0.00648; gnomAD 0.00815.
gnomAD v4.1: 13,689 of 1,614,048 alleles (0.85%); highest among the groups gnomAD compares: Non-Finnish European, 0.99%; 72 homozygotes.

Submissions (8):

Labcorp Genetics (formerly Invitae), Labcorp
Classification: Benign. Last evaluated: 2025-12-20. Review status: criteria provided, single submitter. Criteria: Invitae Variant Classification Sherloc (09022015). Collection method: clinical testing. Allele origin: germline.

CeGaT Center for Human Genetics Tuebingen
Classification: Likely benign. Last evaluated: 2025-11-01. Review status: criteria provided, single submitter. Criteria: CeGaT Center For Human Genetics Tuebingen Variant Classification Criteria Version 2. Collection method: clinical testing. Allele origin: germline. Affected: yes. Observed: 9 variant alleles.
Comment: MYO1E: BS2

Blueprint Genetics
Classification: Likely benign. Last evaluated: 2024-11-26. Review status: criteria provided, single submitter. Criteria: ACMG Guidelines, 2015. Collection method: clinical testing. Allele origin: germline.

Mayo Clinic Laboratories, Mayo Clinic
Classification: Benign. Last evaluated: 2023-12-29. Review status: criteria provided, single submitter. Criteria: ACMG Guidelines, 2015. Collection method: clinical testing. Allele origin: germline. Observed: 3 variant alleles.
Comment: BS1, BS2

UNC Molecular Genetics  Laboratory, University of North Carolina at Chapel Hill
Classification: Uncertain significance for Microscopic hematuria. Last evaluated: 2021-09-15. Review status: criteria provided, single submitter. Criteria: ACMG Guidelines, 2015. Collection method: clinical testing. Allele origin: germline. Affected: yes. Observed: 1 heterozygote.

Genome Diagnostics Laboratory, The Hospital for Sick Children
Classification: Likely benign for Kidney disorder. Last evaluated: 2019-08-01. Review status: criteria provided, single submitter. Criteria: ACMG Guidelines, 2015. Collection method: clinical testing. Allele origin: germline.

Laboratory for Molecular Medicine, Mass General Brigham Personalized Medicine
Classification: Likely benign. Last evaluated: 2016-03-29. Review status: criteria provided, single submitter. Criteria: LMM Criteria. Collection method: clinical testing. Allele origin: germline.
Comment: Variant identified in a genome or exome case(s) and assessed due to predicted null impact of the variant or pathogenic assertions in the literature or databases. Disclaimer: This variant has not undergone full assessment. The following are preliminary notes: ExAC frequency

Breakthrough Genomics
Classification: Likely benign. Review status: criteria provided, single submitter. Criteria: ACMG Guidelines, 2015. Collection method: not provided. Allele origin: germline. Inheritance: Autosomal recessive inheritance. Affected: yes.

Literature cited by the submitters: PubMed 21756023 (cited by Mayo Clinic Laboratories, Mayo Clinic); PubMed 23349334 (cited by Mayo Clinic Laboratories, Mayo Clinic).

NM_004998.4(MYO1E):c.1593C>G (p.Ile531Met)

Gene: MYO1E (myosin IE; minus strand). Cytogenetic location: 15q22.2.
Variant type: single nucleotide variant.
Coding change: c.1593C>G on transcript NM_004998.4 (MANE Select); coding-DNA position 1593, C replaced by G.
Protein change: p.Ile531Met; replaces isoleucine 531 with methionine.
Molecular consequence: missense variant.
Genome position (GRCh38, 1-based): chr15:59,205,423, G>C on the plus strand (C>G on the coding strand, the complement: MYO1E is on the minus strand). VCF-style: chr15-59205423-G-C. GRCh37 (hg19) VCF-style: chr15-59497622-G-C.
Other names: short protein forms I531M.
Identifiers: ClinVar variation 403214 (VCV000403214.49), dbSNP rs140447165, ClinGen allele CA7589580.